The following is an entry in ClinVar:

ClinVar aggregate classification (germline): Benign. Review status: criteria provided, multiple submitters, no conflicts (2 of 4 stars). 2 submissions from 2 submitters: Benign (2). Last evaluated 2018-06-19.

Allele frequency attached by ClinVar (database versions not stated): gnomAD exomes 0.10085; 1000 Genomes Project 0.14137; 1000 Genomes Project 30x 0.14397; gnomAD 0.14714 and 0.15035; TOPMed 0.15048.
gnomAD v4.1: 80,877 of 729,474 alleles (11%); highest among the groups gnomAD compares: African/African-American, 23%; 5,316 homozygotes.

Submissions (2):

GeneDx
Classification: Benign. Last evaluated: 2018-06-19. Review status: criteria provided, single submitter. Criteria: GeneDx Variant Classification (06012015). Collection method: clinical testing. Allele origin: germline. Affected: yes.
Comment: This variant is considered likely benign or benign based on one or more of the following criteria: it is a conservative change, it occurs at a poorly conserved position in the protein, it is predicted to be benign by multiple in silico algorithms, and/or has population frequency not consistent with disease.

Breakthrough Genomics
Classification: Benign. Review status: criteria provided, single submitter. Criteria: ACMG Guidelines, 2015. Collection method: not provided. Allele origin: germline. Inheritance: Autosomal recessive inheritance. Affected: yes.

NM_001384732.1(CPLANE1):c.8663+151A>C

Gene: CPLANE1 (ciliogenesis and planar polarity effector complex subunit 1; minus strand). Cytogenetic location: 5p13.2.
Variant type: single nucleotide variant.
Coding change: c.8663+151A>C on transcript NM_001384732.1 (MANE Select); 151 bases into the intron after coding-DNA position 8663, A replaced by C.
Molecular consequence: intron variant.
Genome position (GRCh38, 1-based): chr5:37,139,189, T>G on the plus strand (A>C on the coding strand, the complement: CPLANE1 is on the minus strand). VCF-style: chr5-37139189-T-G. GRCh37 (hg19) VCF-style: chr5-37139291-T-G.
Other names: c.8501+151A>C (NM_023073.4).
Identifiers: ClinVar variation 680164 (VCV000680164.2), dbSNP rs301870, ClinGen allele CA117067058.